The following is an entry in ClinVar:

ClinVar aggregate classification (germline): Uncertain significance. Review status: criteria provided, multiple submitters, no conflicts (2 of 4 stars). 3 submissions from 3 submitters: Uncertain significance (3). Last evaluated 2026-06-01.

Conditions:
Inborn genetic diseases. Identifiers: MedGen C0950123, MeSH D030342.
DDX41-related hematologic malignancy predisposition syndrome. Also called: Myeloproliferative/lymphoproliferative neoplasms, familial (multiple types), susceptibility to; DDX41-Associated Familial Myelodysplastic Syndrome and Acute Myeloid Leukemia. Identifiers: Orphanet 488647, MedGen C4225174, MONDO:0014809, OMIM 616871.

Allele frequency attached by ClinVar (database versions not stated): gnomAD exomes below 0.00001; TOPMed below 0.00001; ExAC 0.00001; gnomAD 0.00001.

Submissions (3):

CeGaT Center for Human Genetics Tuebingen
Classification: Uncertain significance. Last evaluated: 2026-06-01. Review status: criteria provided, single submitter. Criteria: CeGaT Center For Human Genetics Tuebingen Variant Classification Criteria Version 2. Collection method: clinical testing. Allele origin: germline. Affected: yes. Observed: 3 variant alleles.
Comment: DDX41: PM2, PS4:Supporting

Ambry Genetics
Classification: Uncertain significance for Inborn genetic diseases. Last evaluated: 2025-01-24. Review status: criteria provided, single submitter. Criteria: Ambry Variant Classification Scheme 2023. Collection method: clinical testing. Allele origin: germline.
Comment: The p.S266L variant (also known as c.797C>T), located in coding exon 8 of the DDX41 gene, results from a C to T substitution at nucleotide position 797. The serine at codon 266 is replaced by leucine, an amino acid with dissimilar properties. This amino acid position is highly conserved in available vertebrate species. In addition, this alteration is predicted to be deleterious by in silico analysis. Based on the available evidence, the clinical significance of this variant remains unclear.

Baylor Genetics
Classification: Uncertain significance for DDX41-related hematologic malignancy predisposition syndrome. Last evaluated: 2023-11-29. Review status: criteria provided, single submitter. Criteria: ACMG Guidelines, 2015. Collection method: clinical testing. Allele origin: unknown.

NM_016222.4(DDX41):c.797C>T (p.Ser266Leu)

Gene: DDX41 (DEAD-box helicase 41; minus strand). Cytogenetic location: 5q35.3.
Variant type: single nucleotide variant.
Coding change: c.797C>T on transcript NM_016222.4 (MANE Select); coding-DNA position 797, C replaced by T.
Protein change: p.Ser266Leu; replaces serine 266 with leucine.
Molecular consequence: missense variant.
Genome position (GRCh38, 1-based): chr5:177,514,917, G>A on the plus strand (C>T on the coding strand, the complement: DDX41 is on the minus strand). VCF-style: chr5-177514917-G-A. GRCh37 (hg19) VCF-style: chr5-176941918-G-A.
Other names: c.419C>T, p.Ser140Leu (NM_001321732.2, NM_001321830.2); c.797C>T (NM_016222.2); short protein forms S140L, S266L.
Identifiers: ClinVar variation 3241310 (VCV003241310.4), dbSNP rs758121960.